The following is an entry in ClinVar:

NM_005343.4(HRAS):c.412G>C (p.Gly138Arg)

Genes: HRAS (HRas proto-oncogene, GTPase; minus strand), LRRC56 (leucine rich repeat containing 56; plus strand). Cytogenetic location: 11p15.5.
Variant type: single nucleotide variant.
Coding change: c.412G>C on transcript NM_005343.4 (MANE Select); coding-DNA position 412, G replaced by C.
Protein change: p.Gly138Arg; replaces glycine 138 with arginine.
Molecular consequence: missense variant. On other transcripts: synonymous variant (1).
Genome position (GRCh38, 1-based): chr11:533,491, C>G on the plus strand (G>C on the coding strand, the complement: HRAS is on the minus strand). VCF-style: chr11-533491-C-G. GRCh37 (hg19) VCF-style: chr11-533491-C-G.
Other names: c.412G>C, p.Gly138Arg (NM_001130442.3, NM_176795.5); c.93G>C, p.Thr31= (NM_001318054.2); short protein forms G138R.
Identifiers: ClinVar variation 2896174 (VCV002896174.3), dbSNP rs397517142, ClinGen allele CA378922935.

ClinVar aggregate classification (germline): Uncertain significance (1 of 4 stars; one submission).

Conditions:
Costello syndrome (CSTLO). Also called: FCS SYNDROME; FACIOCUTANEOSKELETAL SYNDROME; HRAS-Related Costello Syndrome. Identifiers: Orphanet 3071, MedGen C0587248, MONDO:0009026, OMIM 218040.

Submission:

Labcorp Genetics (formerly Invitae), Labcorp
Classification: Uncertain significance for Costello syndrome. Last evaluated: 2023-05-02. Review status: criteria provided, single submitter. Criteria: Invitae Variant Classification Sherloc (09022015). Collection method: clinical testing. Allele origin: germline.
Comment: Advanced modeling of protein sequence and biophysical properties (such as structural, functional, and spatial information, amino acid conservation, physicochemical variation, residue mobility, and thermodynamic stability) performed at Invitae indicates that this missense variant is not expected to disrupt HRAS protein function. In summary, the available evidence is currently insufficient to determine the role of this variant in disease. Therefore, it has been classified as a Variant of Uncertain Significance. This variant has not been reported in the literature in individuals affected with HRAS-related conditions. This sequence change replaces glycine, which is neutral and non-polar, with arginine, which is basic and polar, at codon 138 of the HRAS protein (p.Gly138Arg). This variant is not present in population databases (gnomAD no frequency).